The following is an entry in ClinVar:

NM_000260.4(MYO7A):c.689C>T (p.Ala230Val)

Gene: MYO7A (myosin VIIA; plus strand). Cytogenetic location: 11q13.5.
Variant type: single nucleotide variant.
Coding change: c.689C>T on transcript NM_000260.4 (MANE Select); coding-DNA position 689, C replaced by T.
Protein change: p.Ala230Val; replaces alanine 230 with valine.
Molecular consequence: missense variant.
Genome position (GRCh38, 1-based): chr11:77,156,958, C>T. VCF-style: chr11-77156958-C-T. GRCh37 (hg19) VCF-style: chr11-76868004-C-T.
Other names: c.689C>T, p.Ala230Val (NM_001127180.2); c.656C>T, p.Ala219Val (NM_001369365.1); short protein forms A230V, A219V.
Identifiers: ClinVar variation 178993 (VCV000178993.26), dbSNP rs797044512, ClinGen allele CA278740.
Genomic context (GRCh38, chr11:77,156,958, plus strand): 5'-CAAGCCGTTTCGGAAAGTACATCGACATCCACTTCAACAAGCGGGGCGCCATCGAGGGCG[C>T]GAAGATTGAGCAGTACCTGCTGGAAAAGTCACGTGTCTGTCGCCAGGTGGGCCTGAGCCC-3'
Protein context (NP_000251.3, residues 220-240): HFNKRGAIEG[Ala230Val]KIEQYLLEKS

ClinVar aggregate classification (germline): Pathogenic/Likely pathogenic. Review status: criteria provided, multiple submitters, no conflicts (2 of 4 stars). 11 submissions from 11 submitters: Pathogenic (6); Likely pathogenic (4). 1 of the submissions does not count toward it. Last evaluated 2025-05-18.

Conditions:
Autosomal dominant nonsyndromic hearing loss 11. Identifiers: Orphanet 90635, MedGen C1832475, MONDO:0011032, OMIM 601317.
Rare genetic deafness. Identifiers: Orphanet 96210, MedGen C5680250.
MYO7A-related disorder. Also called: MYO7A-related disorders.
Bilateral sensorineural hearing impairment. Also called: Bilateral sensorineural hearing loss. Identifiers: MedGen C0452138, HP:0008619.

Submissions (11):

Variantyx, Inc.
Classification: Pathogenic for Autosomal dominant nonsyndromic hearing loss 11. Last evaluated: 2025-05-18. Review status: criteria provided, single submitter. Criteria: Variantyx Assertion Criteria 2022. Collection method: clinical testing. Allele origin: de novo. Inheritance: Autosomal dominant inheritance. Affected: yes.
Comment: This is a nonsynonymous variant in the MYO7A gene (OMIM: 276903). Pathogenic variants in this gene have been associated with autosomal dominant deafness 11. It has been reported in several unrelated affected individuals (PMID: 16449806, 38594301, 34652575) (PS4) and observed to segregate with disease in at least 16 individuals from 2 families (PMID: 16449806, 34652575) (PP1). Multiple computational algorithms predict a deleterious effect for this variant (REVEL score: 0.818) (PP3). This variant has a 0.0001% maximum allele frequency in non-founder control populations (PM2). Based on the current evidence, this variant is classified as pathogenic for autosomal dominant deafness 11.

Labcorp Genetics (formerly Invitae), Labcorp
Classification: Pathogenic. Last evaluated: 2023-11-27. Review status: criteria provided, single submitter. Criteria: Invitae Variant Classification Sherloc (09022015). Collection method: clinical testing. Allele origin: germline.
Comment: This sequence change replaces alanine, which is neutral and non-polar, with valine, which is neutral and non-polar, at codon 230 of the MYO7A protein (p.Ala230Val). This variant is not present in population databases (gnomAD no frequency). This missense change has been observed in individual(s) with autosomal dominant deafness (PMID: 16449806, 28802369). It has also been observed to segregate with disease in related individuals. ClinVar contains an entry for this variant (Variation ID: 178993). Advanced modeling of protein sequence and biophysical properties (such as structural, functional, and spatial information, amino acid conservation, physicochemical variation, residue mobility, and thermodynamic stability) has been performed at Invitae for this missense variant, however the output from this modeling did not meet the statistical confidence thresholds required to predict the impact of this variant on MYO7A protein function. For these reasons, this variant has been classified as Pathogenic.

PreventionGenetics, part of Exact Sciences
Classification: Likely pathogenic for MYO7A-related condition. Last evaluated: 2023-07-05. Review status: criteria provided, single submitter. Criteria: ACMG Guidelines, 2015. Collection method: clinical testing. Allele origin: germline.
Comment: The MYO7A c.689C>T variant is predicted to result in the amino acid substitution p.Ala230Val. This variant was reported to segregate with disease in a large family with autosomal dominant non-syndromic sensorineural hearing loss (Di Leva et al. 2006. PubMed ID: 16449806). This variant was also reported as de novo in an individual with moderate bilateral hearing loss (Kaneko et al. 2017. PubMed ID: 28802369). This variant has not been reported in a large population database, indicating this variant is rare. This variant is interpreted as likely pathogenic.

Blueprint Genetics
Classification: Pathogenic for MYO7A-related disorders. Last evaluated: 2023-06-15. Review status: criteria provided, single submitter. Criteria: ACMG Guidelines, 2015. Collection method: clinical testing. Allele origin: germline. Affected: yes. Observed: 3 variant alleles.

GeneDx
Classification: Pathogenic. Last evaluated: 2022-05-27. Review status: criteria provided, single submitter. Criteria: GeneDx Variant Classification Process June 2021. Collection method: clinical testing. Allele origin: germline. Affected: yes.
Comment: Not observed in large population cohorts (gnomAD); In silico analysis supports that this missense variant has a deleterious effect on protein structure/function; This variant is associated with the following publications: (PMID: 28802369, 16449806)

New York Genome Center
Classification: Likely pathogenic for Autosomal dominant nonsyndromic hearing loss 11. Last evaluated: 2020-01-20. Review status: criteria provided, single submitter. Criteria: NYGC Assertion Criteria 2020. Collection method: clinical testing. Allele origin: inherited. Affected: yes. Observed: 1 heterozygote. Study: CSER-NYCKidSeq. Segregation with disease observed.
Comment: The p.Ala230Val missense variant has been reported to co-segregate with autosomal dominant non-syndromic progressive hearing loss in a large Italian family [PMID: 16449806]. The variant is absent from the gnomAD database indicating that it is an extremely rare allele in the general population. The p.Ala230Val variant is predicted deleterious by various in silico prediction tools. The affected alanine residue is evolutionarily conserved and is located within the functionally important motor domain of MYO7A molecule. Missense variants in this region of the protein have been associated with autosomal dominant hearing loss. Based on the available evidence, the p.Ala230Val missense variant in the MYO7A gene is assessed as likely pathogenic.

ARUP Laboratories, Molecular Genetics and Genomics, ARUP Laboratories
Classification: Likely pathogenic. Last evaluated: 2016-10-12. Review status: criteria provided, single submitter. Criteria: ARUP Molecular Germline Variant Investigation Process. Collection method: clinical testing. Allele origin: germline.

Laboratory for Molecular Medicine, Mass General Brigham Personalized Medicine
Classification: Pathogenic for Rare genetic deafness. Last evaluated: 2013-06-11. Review status: criteria provided, single submitter. Criteria: LMM Criteria. Collection method: clinical testing. Allele origin: germline. Inheritance: Autosomal dominant inheritance. Observed: 1 variant allele.
Comment: The Ala230Val variant in MYO7A has been reported in a large Italian pedigree aff ected with nonsyndromic post-lingual progressive hearing loss showing autosomal dominant inheritance(Di Leva 2006). The variant co-segregated with hearing loss in several affected family members, and was not identified in unaffected family members or in 200 ethnically matched control chromosomes (Di Leva 2006). In addi tion, this variant was not identified in large population studies. Furthermore, the alanine (Ala) residue at position 230 is located in the conserved motor doma in of the MYO7A protein. Missense variants in this region of the protein have be en associated with autosomal dominant hearing loss. In summary, this variant mee ts our criteria to be classified as pathogenic b ased upon segregation analysis.

Precision Medicine Center, Zhengzhou University
Classification: Likely pathogenic for Autosomal dominant nonsyndromic hearing loss 11. Last evaluated: 2006-06-30. Review status: criteria provided, single submitter. Criteria: ClinGen HL ACMG Specifications v1. Collection method: clinical testing. Allele origin: maternal. Affected: yes.
Comment: PP1_strong+PM2+PS4_supporting+PP3:The MYO7A c.689C>T variant is absent or extremely rare in population databases (PM2). It demonstrates strong co-segregation with disease in affected family members (PP1_Strong) and has been observed in multiple unrelated individuals with MYO7A-related hearing loss (PMID: 16449806, 28802369) (PS4_Supporting). Multiple computational prediction tools support a deleterious effect on protein function (PP3). According to the ACMG/AMP guidelines, this variant is classified as Likely Pathogenic.

Laboratory of Human Genetics, Institute of Biosciences - University of Sao Paulo
Classification: Pathogenic for Bilateral sensorineural hearing impairment. Review status: criteria provided, single submitter. Criteria: ClinGen HL ACMG Specifications v1. Collection method: research. Allele origin: germline. Affected: yes. Observed: 6 heterozygotes. Clinical features observed: Postlingual sensorineural hearing impairment (HP:0008596), Progressive sensorineural hearing impairment (HP:0000408). Segregation with disease observed.
Comment: pathogenic missense heterozygous variant was found to segregate with HL in six members of the same family

Laboratory of Prof. Karen Avraham, Tel Aviv University
Classification: Pathogenic for Autosomal dominant nonsyndromic hearing loss 11. Last evaluated: 2016-02-16. Review status: no assertion criteria provided. Collection method: research. Allele origin: germline. Affected: yes. Not counted in ClinVar's aggregate classification.
Comment: childhood onset, progressive HL, also myopia

NSHL; dominant, DFNA11

Literature cited by the submitters: PubMed 16449806 (cited by 5 submitters); PubMed 38594301 (cited by Variantyx, Inc.); PubMed 34652575 (cited by Variantyx, Inc. and Laboratory of Human Genetics, Institute of Biosciences - University of Sao Paulo); PubMed 28802369 (cited by 4 submitters); PubMed 19461658 (cited by Laboratory of Human Genetics, Institute of Biosciences - University of Sao Paulo).